The following is an entry in ClinVar:

ClinVar aggregate classification (germline): Uncertain significance (1 of 4 stars; one submission).

Submission:

Labcorp Genetics (formerly Invitae), Labcorp
Classification: Uncertain significance. Last evaluated: 2024-04-25. Review status: criteria provided, single submitter. Criteria: Invitae Variant Classification Sherloc (09022015). Collection method: clinical testing. Allele origin: germline.
Comment: This sequence change replaces glycine, which is neutral and non-polar, with glutamic acid, which is acidic and polar, at codon 10 of the FOXI3 protein (p.Gly10Glu). The frequency data for this variant in the population databases is considered unreliable, as metrics indicate insufficient coverage at this position in the gnomAD database. This variant has not been reported in the literature in individuals affected with FOXI3-related conditions. Experimental studies and prediction algorithms are not available or were not evaluated, and the functional significance of this variant is currently unknown. In summary, the available evidence is currently insufficient to determine the role of this variant in disease. Therefore, it has been classified as a Variant of Uncertain Significance.

NM_001135649.3(FOXI3):c.29G>A (p.Gly10Glu)

Gene: FOXI3 (forkhead box I3; minus strand). Cytogenetic location: 2p11.2.
Variant type: single nucleotide variant.
Coding change: c.29G>A on transcript NM_001135649.3 (MANE Select); coding-DNA position 29, G replaced by A.
Protein change: p.Gly10Glu; replaces glycine 10 with glutamic acid.
Molecular consequence: missense variant.
Genome position (GRCh38, 1-based): chr2:88,452,507, C>T on the plus strand (G>A on the coding strand, the complement: FOXI3 is on the minus strand). VCF-style: chr2-88452507-C-T. GRCh37 (hg19) VCF-style: chr2-88752025-C-T.
Other names: short protein forms G10E.
Identifiers: ClinVar variation 3651209 (VCV003651209.2).
Genomic context (GRCh38, chr2:88,452,507, plus strand): 5'-GGGGCGCCCGGGGCGGCGGCGGTGGCGGCGGGCGGGGGCAGGCCGGGCTGCGAATACACT[C>T]CGAAGTTGTCGCCGCAGTAGAGGGCCATGTCGGCGGCCGTGGGCGGCTGCGGCGCGGCCG-3'
Protein context (NP_001129121.1, residues 1-20): MALYCGDNF[Gly10Glu]VYSQPGLPPP